The following is an entry in ClinVar:

ClinVar aggregate classification (germline): Uncertain significance (1 of 4 stars; one submission).

Conditions:
Inborn genetic diseases. Identifiers: MedGen C0950123, MeSH D030342.

Submission:

Ambry Genetics
Classification: Uncertain significance for Inborn genetic diseases. Last evaluated: 2026-06-08. Review status: criteria provided, single submitter. Criteria: Ambry Variant Classification Scheme 2023. Collection method: clinical testing. Allele origin: germline.
Comment: The p.A2001S variant (also known as c.6001G>T), located in coding exon 22 of the FANCM gene, results from a G to T substitution at nucleotide position 6001. The alanine at codon 2001 is replaced by serine, an amino acid with similar properties. This amino acid position is conserved. In addition, this alteration is predicted to be tolerated by in silico analysis. Based on the available evidence, the clinical significance of this variant remains unclear.

NM_020937.4(FANCM):c.6001G>T (p.Ala2001Ser)

Gene: FANCM (FA complementation group M; plus strand). Cytogenetic location: 14q21.2.
Variant type: single nucleotide variant.
Coding change: c.6001G>T on transcript NM_020937.4 (MANE Select); coding-DNA position 6001, G replaced by T.
Protein change: p.Ala2001Ser; replaces alanine 2001 with serine.
Molecular consequence: missense variant.
Genome position (GRCh38, 1-based): chr14:45,198,928, G>T. VCF-style: chr14-45198928-G-T. GRCh37 (hg19) VCF-style: chr14-45668131-G-T.
Other names: c.5923G>T, p.Ala1975Ser (NM_001308133.2); short protein forms A1975S, A2001S.
Identifiers: ClinVar variation 4871183 (VCV004871183.1).